The following is an entry in ClinVar:

ClinVar aggregate classification (germline): Benign/Likely benign. Review status: criteria provided, multiple submitters, no conflicts (2 of 4 stars). 4 submissions from 4 submitters: Benign (1); Likely benign (3). Last evaluated 2026-06-05.

Conditions:
Gastrointestinal stromal tumor. Also called: Gastrointestinal stromal tumor, somatic; Gastrointestinal stroma tumor. Identifiers: Orphanet 44890, MedGen C0238198, MeSH D046152, MONDO:0011719, OMIM 606764, HP:0100723.
Hereditary cancer-predisposing syndrome. Also called: Tumor predisposition; Hereditary Cancer Syndrome; Hereditary neoplastic syndrome; Neoplastic Syndromes, Hereditary. Identifiers: Orphanet 140162, MedGen C0027672, MeSH D009386, MONDO:0015356.

Allele frequency attached by ClinVar (database versions not stated): gnomAD 0.00001; gnomAD exomes 0.00001; TOPMed 0.00002.
gnomAD v4.1: 14 of 1,614,154 alleles (0.00087%); highest among the groups gnomAD compares: Middle Eastern, 0.016%; no homozygotes.

Submissions (4):

Myriad Genetics, Inc.
Classification: Benign for Gastrointestinal stromal tumor. Last evaluated: 2026-06-05. Review status: criteria provided, single submitter. Criteria: Myriad Autosomal Dominant, Autosomal Recessive and X-Linked Classification Criteria (2023). Collection method: clinical testing. Allele origin: unknown.
Comment: This variant is considered benign. This variant is a silent/synonymous amino acid change and it is not expected to impact splicing.

Labcorp Genetics (formerly Invitae), Labcorp
Classification: Likely benign for Gastrointestinal stromal tumor. Last evaluated: 2025-11-05. Review status: criteria provided, single submitter. Criteria: Invitae Variant Classification Sherloc (09022015). Collection method: clinical testing. Allele origin: germline.

Ambry Genetics
Classification: Likely benign for Hereditary cancer-predisposing syndrome. Last evaluated: 2022-08-17. Review status: criteria provided, single submitter. Criteria: Ambry Variant Classification Scheme 2023. Collection method: clinical testing. Allele origin: germline.

Blueprint Genetics
Classification: Likely benign. Last evaluated: 2020-03-26. Review status: criteria provided, single submitter. Criteria: ACMG Guidelines, 2015. Collection method: clinical testing. Allele origin: germline.

NM_000222.3(KIT):c.2535A>G (p.Val845=)

Gene: KIT (KIT proto-oncogene, receptor tyrosine kinase; plus strand). Cytogenetic location: 4q12.
Variant type: single nucleotide variant.
Coding change: c.2535A>G on transcript NM_000222.3 (MANE Select); coding-DNA position 2535, A replaced by G.
Protein change: p.Val845=; no amino-acid change (valine 845 retained).
Molecular consequence: synonymous variant.
Genome position (GRCh38, 1-based): chr4:54,736,548, A>G. VCF-style: chr4-54736548-A-G. GRCh37 (hg19) VCF-style: chr4-55602714-A-G.
Other names: c.2523A>G, p.Val841= (NM_001093772.2, NM_001385292.1); c.2538A>G, p.Val846= (NM_001385284.1); c.2532A>G, p.Val844= (NM_001385285.1); c.2520A>G, p.Val840= (NM_001385286.1); c.2526A>G, p.Val842= (NM_001385288.1); c.2535A>G, p.Val845= (NM_001385290.1).
Identifiers: ClinVar variation 415780 (VCV000415780.16), dbSNP rs1060504654, ClinGen allele CA16611685.